The following is an entry in ClinVar:

NM_000051.4(ATM):c.3433G>T (p.Asp1145Tyr)

Gene: ATM (ATM serine/threonine kinase; plus strand). Cytogenetic location: 11q22.3.
Variant type: single nucleotide variant.
Coding change: c.3433G>T on transcript NM_000051.4 (MANE Select); coding-DNA position 3433, G replaced by T.
Protein change: p.Asp1145Tyr; replaces aspartic acid 1145 with tyrosine.
Molecular consequence: missense variant.
Genome position (GRCh38, 1-based): chr11:108,281,025, G>T. VCF-style: chr11-108281025-G-T. GRCh37 (hg19) VCF-style: chr11-108151752-G-T.
Other names: c.3433G>T, p.Asp1145Tyr (NM_001351834.2); short protein forms D1145Y.
Identifiers: ClinVar variation 2011300 (VCV002011300.4), dbSNP rs2135666001, ClinGen allele CA382519141.

ClinVar aggregate classification (germline): Uncertain significance (1 of 4 stars; one submission).

Conditions:
Ataxia-telangiectasia syndrome (AT). Also called: Cerebello-oculocutaneous telangiectasia; Immunodeficiency with ataxia telangiectasia; Ataxia telangiectasia (A-T); LOUIS-BAR SYNDROME; Ataxia-telangiectasia, complementation group D; AT, COMPLEMENTATION GROUP C. Identifiers: Orphanet 100, MedGen C0004135, MONDO:0008840, OMIM 208900.

Submission:

Labcorp Genetics (formerly Invitae), Labcorp
Classification: Uncertain significance for Ataxia-telangiectasia syndrome. Last evaluated: 2024-04-22. Review status: criteria provided, single submitter. Criteria: Invitae Variant Classification Sherloc (09022015). Collection method: clinical testing. Allele origin: germline.
Comment: This sequence change replaces aspartic acid, which is acidic and polar, with tyrosine, which is neutral and polar, at codon 1145 of the ATM protein (p.Asp1145Tyr). This variant is not present in population databases (gnomAD no frequency). This variant has not been reported in the literature in individuals affected with ATM-related conditions. ClinVar contains an entry for this variant (Variation ID: 2011300). An algorithm developed to predict the effect of missense changes on protein structure and function (PolyPhen-2) suggests that this variant is likely to be disruptive. Algorithms developed to predict the effect of sequence changes on RNA splicing suggest that this variant may disrupt the consensus splice site. In summary, the available evidence is currently insufficient to determine the role of this variant in disease. Therefore, it has been classified as a Variant of Uncertain Significance.